The following is an entry in ClinVar:

ClinVar aggregate classification (germline): Uncertain significance (0 of 4 stars; one submission).

Conditions:
BCOR-related disorder. Also called: BCOR-related disorders; BCOR-related condition.

Submission:

PreventionGenetics, part of Exact Sciences
Classification: Uncertain significance for BCOR-related condition. Last evaluated: 2024-02-05. Review status: no assertion criteria provided. Collection method: clinical testing. Allele origin: germline.
Comment: The BCOR c.1111G>C variant is predicted to result in the amino acid substitution p.Ala371Pro. To our knowledge, this variant has not been reported in the literature or in a large population database, indicating this variant is rare. At this time, the clinical significance of this variant is uncertain due to the absence of conclusive functional and genetic evidence.

NM_001123385.2(BCOR):c.1111G>C (p.Ala371Pro)

Genes: BCOR (BCL6 corepressor; minus strand), LOC126863239 (MED14-independent group 3 enhancer GRCh37_chrX:39932994-39934193; plus strand). Cytogenetic location: Xp11.4.
Variant type: single nucleotide variant.
Coding change: c.1111G>C on transcript NM_001123385.2 (MANE Select); coding-DNA position 1111, G replaced by C.
Protein change: p.Ala371Pro; replaces alanine 371 with proline.
Molecular consequence: missense variant.
Genome position (GRCh38, 1-based): chrX:40,074,235, C>G on the plus strand (G>C on the coding strand, the complement: BCOR is on the minus strand). VCF-style: chrX-40074235-C-G. GRCh37 (hg19) VCF-style: chrX-39933488-C-G.
Other names: c.1111G>C, p.Ala371Pro (NM_001123384.2, NM_017745.6, NM_001123383.2); short protein forms A371P.
Identifiers: ClinVar variation 3061256 (VCV003061256.2), dbSNP rs2147252130, ClinGen allele CA412747294.